The following is an entry in ClinVar:

NM_002528.7(NTHL1):c.763C>G (p.Arg255Gly)

Gene: NTHL1 (nth like DNA glycosylase 1; minus strand). Cytogenetic location: 16p13.3.
Variant type: single nucleotide variant.
Coding change: c.763C>G on transcript NM_002528.7 (MANE Select); coding-DNA position 763, C replaced by G.
Protein change: p.Arg255Gly; replaces arginine 255 with glycine.
Molecular consequence: missense variant.
Genome position (GRCh38, 1-based): chr16:2,040,161, G>C on the plus strand (C>G on the coding strand, the complement: NTHL1 is on the minus strand). VCF-style: chr16-2040161-G-C. GRCh37 (hg19) VCF-style: chr16-2090162-G-C.
Other names: c.592C>G, p.Arg198Gly (NM_001318193.2); c.433C>G, p.Arg145Gly (NM_001318194.2); short protein forms R255G, R145G, R198G.
Identifiers: ClinVar variation 847902 (VCV000847902.14), dbSNP rs779992803, ClinGen allele CA394288791.

ClinVar aggregate classification (germline): Uncertain significance. Review status: criteria provided, multiple submitters, no conflicts (2 of 4 stars). 5 submissions from 5 submitters: Uncertain significance (5). Last evaluated 2025-12-28.

Conditions:
Hereditary cancer-predisposing syndrome. Also called: Tumor predisposition; Hereditary Cancer Syndrome; Hereditary neoplastic syndrome; Neoplastic Syndromes, Hereditary. Identifiers: Orphanet 140162, MedGen C0027672, MeSH D009386, MONDO:0015356.
Familial adenomatous polyposis 3. Also called: NTHL1-associated polyposis; NTHL1 Tumor Syndrome; NTHL1-Related Adenomatous Polyposis and Colorectal Cancer; NTHL1-related attenuated familial adenomatous polyposis. Identifiers: Orphanet 220460, Orphanet 454840, MedGen C4225157, MONDO:0014630, OMIM 616415.

gnomAD v4.1: 5 of 1,613,948 alleles (0.00031%); highest among the groups gnomAD compares: Non-Finnish European, 0.00034%; no homozygotes.

Submissions (5):

Labcorp Genetics (formerly Invitae), Labcorp
Classification: Uncertain significance. Last evaluated: 2025-12-28. Review status: criteria provided, single submitter. Criteria: Invitae Variant Classification Sherloc (09022015). Collection method: clinical testing. Allele origin: germline.
Comment: This sequence change replaces arginine, which is basic and polar, with glycine, which is neutral and non-polar, at codon 263 of the NTHL1 protein (p.Arg263Gly). This variant is present in population databases (no rsID available, gnomAD 0.0009%). This variant has not been reported in the literature in individuals affected with NTHL1-related conditions. ClinVar contains an entry for this variant (Variation ID: 847902). An algorithm developed to predict the effect of missense changes on protein structure and function (PolyPhen-2) suggests that this variant is likely to be disruptive. In summary, the available evidence is currently insufficient to determine the role of this variant in disease. Therefore, it has been classified as a Variant of Uncertain Significance.

Ambry Genetics
Classification: Uncertain significance for Hereditary cancer-predisposing syndrome. Last evaluated: 2023-12-31. Review status: criteria provided, single submitter. Criteria: Ambry Variant Classification Scheme 2023. Collection method: clinical testing. Allele origin: germline.
Comment: The p.R263G variant (also known as c.787C>G), located in coding exon 5 of the NTHL1 gene, results from a C to G substitution at nucleotide position 787. The arginine at codon 263 is replaced by glycine, an amino acid with dissimilar properties. This amino acid position is conserved. In addition, the in silico prediction for this alteration is inconclusive. Since supporting evidence is limited at this time, the clinical significance of this alteration remains unclear.

GeneDx
Classification: Uncertain significance. Last evaluated: 2023-03-15. Review status: criteria provided, single submitter. Criteria: GeneDx Variant Classification Process June 2021. Collection method: clinical testing. Allele origin: germline. Affected: yes.
Comment: Not observed at significant frequency in large population cohorts (gnomAD); In silico analysis supports that this missense variant has a deleterious effect on protein structure/function; Not observed in any cases, but was observed in unaffected controls from a melanoma study (Pritchard et al., 2018); This variant is associated with the following publications: (PMID: 29641532)

Department of Pathology and Laboratory Medicine, Sinai Health System
Classification: Uncertain significance for Familial adenomatous polyposis 3. Last evaluated: 2022-03-07. Review status: criteria provided, single submitter. Criteria: ACMG Guidelines, 2015. Collection method: clinical testing. Allele origin: germline. Affected: yes.

Sema4
Classification: Uncertain significance for Hereditary cancer-predisposing syndrome. Last evaluated: 2021-10-26. Review status: criteria provided, single submitter. Criteria: Sema4 Curation Guidelines. Collection method: curation. Allele origin: germline.
Comment: The NTHL1 c.787C>G (p.R263G) variant has not been reported in the literature to our knowledge. This variant was observed in 1/251234 chromosomes in the Genome Aggregation Database (PMID: 32461654). This variant has been reported in ClinVar (Variation ID:847902). Functional studies have not been performed, and in silico predictions of the variant's effect on protein function are inconclusive. The evidence is insufficient to meet ACMG/AMP criteria for classifying the variant as benign or pathogenic. Thus, the clinical significance of this variant is currently uncertain.